The following is an entry in ClinVar:

ClinVar aggregate classification (germline): Uncertain significance (1 of 4 stars; one submission).

Conditions:
46,XY sex reversal 9 (SRXY9). Also called: 46,XY SEX REVERSAL, ZFPM2-RELATED. Identifiers: Orphanet 251510, MedGen C4015129, MONDO:0014480, OMIM 616067.

gnomAD v4.1: 3 of 1,612,858 alleles (0.00019%); highest among the groups gnomAD compares: Admixed American, 0.0017%; no homozygotes.

Submission:

Labcorp Genetics (formerly Invitae), Labcorp
Classification: Uncertain significance for 46,XY sex reversal 9. Last evaluated: 2024-06-26. Review status: criteria provided, single submitter. Criteria: Invitae Variant Classification Sherloc (09022015). Collection method: clinical testing. Allele origin: germline.
Comment: This sequence change replaces valine, which is neutral and non-polar, with methionine, which is neutral and non-polar, at codon 149 of the ZFPM2 protein (p.Val149Met). This variant is present in population databases (rs758855177, gnomAD 0.01%). This variant has not been reported in the literature in individuals affected with ZFPM2-related conditions. An algorithm developed to predict the effect of missense changes on protein structure and function (PolyPhen-2) suggests that this variant is likely to be disruptive. In summary, the available evidence is currently insufficient to determine the role of this variant in disease. Therefore, it has been classified as a Variant of Uncertain Significance.

NM_012082.4(ZFPM2):c.445G>A (p.Val149Met)

Gene: ZFPM2 (zinc finger protein, FOG family member 2; plus strand). Cytogenetic location: 8q23.1.
Variant type: single nucleotide variant.
Coding change: c.445G>A on transcript NM_012082.4 (MANE Select); coding-DNA position 445, G replaced by A.
Protein change: p.Val149Met; replaces valine 149 with methionine.
Molecular consequence: missense variant.
Genome position (GRCh38, 1-based): chr8:105,634,270, G>A. VCF-style: chr8-105634270-G-A. GRCh37 (hg19) VCF-style: chr8-106646498-G-A.
Other names: c.286G>A, p.Val96Met (NM_001362836.2); c.49G>A, p.Val17Met (NM_001362837.2); short protein forms V17M, V149M, V96M.
Identifiers: ClinVar variation 3730528 (VCV003730528.2).